The following is an entry in ClinVar:

NM_000059.4(BRCA2):c.6352G>T (p.Val2118Leu)

Gene: BRCA2 (BRCA2 DNA repair associated; plus strand). Cytogenetic location: 13q13.1.
Variant type: single nucleotide variant.
Coding change: c.6352G>T on transcript NM_000059.4 (MANE Select); coding-DNA position 6352, G replaced by T.
Protein change: p.Val2118Leu; replaces valine 2118 with leucine.
Molecular consequence: missense variant. On other transcripts: non-coding transcript variant (1), intron variant (2).
Genome position (GRCh38, 1-based): chr13:32,340,707, G>T. VCF-style: chr13-32340707-G-T. GRCh37 (hg19) VCF-style: chr13-32914844-G-T.
Other names: c.6352G>T, p.Val2118Leu (NM_001406719.1, NM_001406720.1); c.1910-3851G>T (NM_001406721.1); c.425-3851G>T (NM_001406722.1); short protein forms V2118L.
Identifiers: ClinVar variation 2710096 (VCV002710096.3), dbSNP rs2137526660, ClinGen allele CA387789129.
Genomic context (GRCh38, chr13:32,340,707, plus strand): 5'-TCTAGACAAAATGTATCAAAAATACTTCCTCGTGTTGATAAGAGAAACCCAGAGCACTGT[G>T]TAAACTCAGAAATGGAAAAAACCTGCAGTAAAGAATTTAAATTATCAAATAACTTAAATG-3'
Protein context (NP_000050.3, residues 2108-2128): RVDKRNPEHC[Val2118Leu]NSEMEKTCSK

ClinVar aggregate classification (germline): Uncertain significance (1 of 4 stars; one submission).

Conditions:
Hereditary breast ovarian cancer syndrome. Also called: Hereditary breast and ovarian cancer syndrome; Hereditary breast and ovarian cancer syndrome (HBOC); Hereditary breast and/or ovarian cancer syndrome; Hereditary breast and ovarian cancer; Breast and ovarian cancer; BRCA1- and BRCA2-Associated Hereditary Breast and Ovarian Cancer. Identifiers: Orphanet 145, MedGen C0677776, MeSH D061325, MONDO:0003582. Disease mechanism: loss of function.

Submission:

Labcorp Genetics (formerly Invitae), Labcorp
Classification: Uncertain significance for Hereditary breast ovarian cancer syndrome. Last evaluated: 2024-11-24. Review status: criteria provided, single submitter. Criteria: Invitae Variant Classification Sherloc (09022015). Collection method: clinical testing. Allele origin: germline.
Comment: This sequence change replaces valine, which is neutral and non-polar, with leucine, which is neutral and non-polar, at codon 2118 of the BRCA2 protein (p.Val2118Leu). This variant is not present in population databases (gnomAD no frequency). This missense change has been observed in individual(s) with breast cancer (PMID: 12442275). This variant is also known as c.6580G>T. ClinVar contains an entry for this variant (Variation ID: 2710096). Invitae Evidence Modeling of protein sequence and biophysical properties (such as structural, functional, and spatial information, amino acid conservation, physicochemical variation, residue mobility, and thermodynamic stability) indicates that this missense variant is not expected to disrupt BRCA2 protein function with a negative predictive value of 95%. In summary, the available evidence is currently insufficient to determine the role of this variant in disease. Therefore, it has been classified as a Variant of Uncertain Significance.

Literature cited by the submitters: PubMed 12442275.